The following is an entry in ClinVar:

ClinVar aggregate classification (germline): Uncertain significance (1 of 4 stars; one submission).

Conditions:
Kabuki syndrome. Also called: Kabuki make-up syndrome; NIIKAWA-KUROKI SYNDROME. Identifiers: Orphanet 2322, MedGen C0796004, MONDO:0016512.

Allele frequency attached by ClinVar (database versions not stated): TOPMed below 0.00001; gnomAD 0.00001; gnomAD exomes 0.00001.
gnomAD v4.1: 9 of 1,561,690 alleles (0.00058%); highest among the groups gnomAD compares: Non-Finnish European, 0.00078%; no homozygotes.

Submission:

Labcorp Genetics (formerly Invitae), Labcorp
Classification: Uncertain significance for Kabuki syndrome. Last evaluated: 2022-12-07. Review status: criteria provided, single submitter. Criteria: Invitae Variant Classification Sherloc (09022015). Collection method: clinical testing. Allele origin: germline.
Comment: In summary, the available evidence is currently insufficient to determine the role of this variant in disease. Therefore, it has been classified as a Variant of Uncertain Significance. Variants that disrupt the consensus splice site are a relatively common cause of aberrant splicing (PMID: 17576681, 9536098). Algorithms developed to predict the effect of sequence changes on RNA splicing suggest that this variant may disrupt the consensus splice site. ClinVar contains an entry for this variant (Variation ID: 1412445). This variant has been observed in at least one individual who was not affected with KMT2D-related conditions (Invitae). This variant has not been reported in the literature in individuals affected with KMT2D-related conditions. This variant is not present in population databases (gnomAD no frequency). This sequence change falls in intron 34 of the KMT2D gene. It does not directly change the encoded amino acid sequence of the KMT2D protein. It affects a nucleotide within the consensus splice site.

Literature cited by the submitters: PubMed 17576681; PubMed 9536098.

NM_003482.4(KMT2D):c.10231+3A>G

Gene: KMT2D (lysine methyltransferase 2D; minus strand). Cytogenetic location: 12q13.12.
Variant type: single nucleotide variant.
Coding change: c.10231+3A>G on transcript NM_003482.4 (MANE Select); 3 bases into the intron after coding-DNA position 10231, A replaced by G.
Molecular consequence: intron variant.
Genome position (GRCh38, 1-based): chr12:49,037,122, T>C on the plus strand (A>G on the coding strand, the complement: KMT2D is on the minus strand). VCF-style: chr12-49037122-T-C. GRCh37 (hg19) VCF-style: chr12-49430905-T-C.
Identifiers: ClinVar variation 1412445 (VCV001412445.6), dbSNP rs1180567130, ClinGen allele CA689542442.
Genomic context (GRCh38, chr12:49,037,122, plus strand): 5'-TGCCCATTTAGGGATAACAATAATCACCCTGAGTAACTTGGCTATGTTACCAGCTGAGGT[T>C]ACCTGTATCTGGGAAGAAGCTGTTTGCCAGCTGCTGCTGCATTGCCAATTGCTGCGGCTT-3'